The following is an entry in ClinVar:

NM_000051.4(ATM):c.5470C>T (p.Leu1824Phe)

Gene: ATM (ATM serine/threonine kinase; plus strand). Cytogenetic location: 11q22.3.
Variant type: single nucleotide variant.
Coding change: c.5470C>T on transcript NM_000051.4 (MANE Select); coding-DNA position 5470, C replaced by T.
Protein change: p.Leu1824Phe; replaces leucine 1824 with phenylalanine.
Molecular consequence: missense variant.
Genome position (GRCh38, 1-based): chr11:108,303,003, C>T. VCF-style: chr11-108303003-C-T. GRCh37 (hg19) VCF-style: chr11-108173730-C-T.
Other names: c.5470C>T, p.Leu1824Phe (NM_001351834.2); short protein forms L1824F.
Identifiers: ClinVar variation 407681 (VCV000407681.41), dbSNP rs764784077, ClinGen allele CA6265706.
Genomic context (GRCh38, chr11:108,303,003, plus strand): 5'-ATTTGGATAAAGACACTGACTTGTGCTTTTTTGGACAGTGGAGGCACAAAATGTGAAATT[C>T]TTCAATTATTAAAGCCAATGTGTGAAGTAAGAAGATTAATTAGTCTGATATAATTCCTTG-3'
Protein context (NP_000042.3, residues 1814-1834): LDSGGTKCEI[Leu1824Phe]QLLKPMCEVK

ClinVar aggregate classification (germline): Conflicting classifications of pathogenicity. Review status: criteria provided, conflicting classifications (1 of 4 stars). 11 submissions from 11 submitters: Uncertain significance (9); Likely benign (1). 1 of the submissions does not count toward it. Last evaluated 2026-01-27.

Conditions:
ATM-related disorder. Also called: ATM-related disorders; ATM-related condition.
Hereditary cancer-predisposing syndrome. Also called: Neoplastic Syndromes, Hereditary; Tumor predisposition; Hereditary Cancer Syndrome; Hereditary neoplastic syndrome. Identifiers: Orphanet 140162, MedGen C0027672, MeSH D009386, MONDO:0015356.
Ataxia-telangiectasia syndrome (AT). Also called: LOUIS-BAR SYNDROME; Cerebello-oculocutaneous telangiectasia; Immunodeficiency with ataxia telangiectasia; Ataxia-telangiectasia, complementation group E; Ataxia-telangiectasia, complementation group D; AT, COMPLEMENTATION GROUP C. Identifiers: Orphanet 100, MedGen C0004135, MONDO:0008840, OMIM 208900.
Familial cancer of breast. Also called: hereditary breast carcinoma; BREAST CANCER, FAMILIAL; Hereditary breast cancer. Identifiers: Orphanet 227535, MedGen C0346153, MONDO:0016419, OMIM 114480. Disease mechanism: loss of function.

Allele frequency attached by ClinVar (database versions not stated): ExAC 0.00001; gnomAD 0.00001; gnomAD exomes 0.00001 and 0.00002; TOPMed 0.00002.
gnomAD v4.1: 7 of 1,613,026 alleles (0.00043%); highest among the groups gnomAD compares: Admixed American, 0.012%; no homozygotes.

Submissions (11):

PreventionGenetics, part of Exact Sciences
Classification: Uncertain significance for ATM-related condition. Last evaluated: 2026-01-27. Review status: criteria provided, single submitter. Criteria: ACMG Guidelines, 2015. Collection method: clinical testing. Allele origin: germline.
Comment: The ATM c.5470C>T variant is predicted to result in the amino acid substitution p.Leu1824Phe. This variant has been reported in the literature in individuals with breast cancer (Table S5, Decker et al. 2017. PubMed ID: 28779002; Table S2, Petrackova et al. 2022. PubMed ID: 36029002). This variant is reported in 0.017% of alleles in individuals of Latino descent in gnomAD and is interpreted as uncertain in ClinVar (Variation ID: 407681). At this time, the clinical significance of this variant is uncertain due to the absence of conclusive functional and genetic evidence.

Labcorp Genetics (formerly Invitae), Labcorp
Classification: Uncertain significance for Ataxia-telangiectasia syndrome. Last evaluated: 2025-12-09. Review status: criteria provided, single submitter. Criteria: Invitae Variant Classification Sherloc (09022015). Collection method: clinical testing. Allele origin: germline.
Comment: This sequence change replaces leucine, which is neutral and non-polar, with phenylalanine, which is neutral and non-polar, at codon 1824 of the ATM protein (p.Leu1824Phe). This variant is present in population databases (rs764784077, gnomAD 0.02%). This missense change has been observed in individual(s) with breast cancer (PMID: 36029002). ClinVar contains an entry for this variant (Variation ID: 407681). Invitae Evidence Modeling of protein sequence and biophysical properties (such as structural, functional, and spatial information, amino acid conservation, physicochemical variation, residue mobility, and thermodynamic stability) indicates that this missense variant is not expected to disrupt ATM protein function with a negative predictive value of 95%. In summary, the available evidence is currently insufficient to determine the role of this variant in disease. Therefore, it has been classified as a Variant of Uncertain Significance.

Myriad Genetics, Inc.
Classification: Likely benign for Familial cancer of breast. Last evaluated: 2025-11-12. Review status: criteria provided, single submitter. Criteria: Myriad Autosomal Dominant, Autosomal Recessive and X-Linked Classification Criteria (2023). Collection method: clinical testing. Allele origin: unknown.
Comment: This variant is considered likely benign. This variant is strongly associated with less severe personal and family histories of cancer, typical for individuals without pathogenic variants in this gene [PMID: 25085752].

GeneDx
Classification: Uncertain significance. Last evaluated: 2024-08-11. Review status: criteria provided, single submitter. Criteria: GeneDx Variant Classification Process June 2021. Collection method: clinical testing. Allele origin: germline. Affected: yes.
Comment: In silico analysis indicates that this missense variant does not alter protein structure/function; This variant is associated with the following publications: (PMID: 33436325, 36029002, 28779002)

Quest Diagnostics Nichols Institute San Juan Capistrano
Classification: Uncertain significance. Last evaluated: 2024-07-02. Review status: criteria provided, single submitter. Criteria: Quest Diagnostics criteria. Collection method: clinical testing. Allele origin: unknown.

Baylor Genetics
Classification: Uncertain significance for Familial cancer of breast. Last evaluated: 2024-03-11. Review status: criteria provided, single submitter. Criteria: ACMG Guidelines, 2015. Collection method: clinical testing. Allele origin: unknown.

Women's Health and Genetics/Laboratory Corporation of America, LabCorp
Classification: Uncertain significance. Last evaluated: 2023-07-20. Review status: criteria provided, single submitter. Criteria: LabCorp Variant Classification Summary - May 2015. Collection method: clinical testing. Allele origin: germline.
Comment: Variant summary: ATM c.5470C>T (p.Leu1824Phe) results in a non-conservative amino acid change in the encoded protein sequence. Five of five in-silico tools predict a damaging effect of the variant on protein function. The variant allele was found at a frequency of 2.4e-05 in 250924 control chromosomes (gnomAD). The available data on variant occurrences in the general population are insufficient to allow any conclusion about variant significance. c.5470C>T has been reported in the literature in an individual affected with breast cancer (Decker_2017). In contrast, the variant was not found in 5560 individuals affected with prostate cancer from the PRACTICAL Consortium study groups cohort, but was in 1 of 3353 controls of European ancestry (Karlsson_2021). These reports do not provide unequivocal conclusions about association of the variant with breast or prostate cancers. To our knowledge, no experimental evidence demonstrating an impact on protein function has been reported. The following publications have been ascertained in the context of this evaluation (PMID: 28779002, 33436325). Seven submitters have cited clinical-significance assessments for this variant to ClinVar after 2014 and all classified the variant as uncertain significance. Based on the evidence outlined above, the variant was classified as uncertain significance.

Ambry Genetics
Classification: Uncertain significance for Hereditary cancer-predisposing syndrome. Last evaluated: 2023-04-21. Review status: criteria provided, single submitter. Criteria: Ambry Variant Classification Scheme 2023. Collection method: clinical testing. Allele origin: germline.
Comment: The p.L1824F variant (also known as c.5470C>T), located in coding exon 35 of the ATM gene, results from a C to T substitution at nucleotide position 5470. The leucine at codon 1824 is replaced by phenylalanine, an amino acid with highly similar properties. This amino acid position is highly conserved in available vertebrate species. In addition, the in silico prediction for this alteration is inconclusive. Since supporting evidence is limited at this time, the clinical significance of this alteration remains unclear.

Color Diagnostics, LLC DBA Color Health
Classification: Uncertain significance for Hereditary cancer-predisposing syndrome. Last evaluated: 2022-11-22. Review status: criteria provided, single submitter. Criteria: ACMG Guidelines, 2015. Collection method: clinical testing. Allele origin: germline.
Comment: This missense variant replaces leucine with phenylalanine at codon 1824 of the ATM protein. Computational prediction suggests that this variant may not impact protein structure and function (internally defined REVEL score threshold <= 0.5, PMID: 27666373). To our knowledge, functional studies have not been reported for this variant. This variant has been reported in an individual affected with breast cancer (PMID: 28779002). This variant has been identified in 6/250924 chromosomes in the general population by the Genome Aggregation Database (gnomAD). The available evidence is insufficient to determine the role of this variant in disease conclusively. Therefore, this variant is classified as a Variant of Uncertain Significance.

Sema4
Classification: Uncertain significance for Hereditary cancer-predisposing syndrome. Last evaluated: 2021-07-14. Review status: criteria provided, single submitter. Criteria: Sema4 Curation Guidelines. Collection method: curation. Allele origin: germline.
Comment: The ATM c.5470C>T (p.L1824F) variant has been reported in an individual with breast cancer (PMID 28779002), and as a somatic variant in an individual with colorectal cancer (PMID 27756406). This variant was observed in 6/34556 chromosomes in the Latino population, according to the Genome Aggregation Database (PMID: 32461654). This variant has been reported in ClinVar (Variation ID 407681). Functional studies have not been performed and in silico tool predictions of the variants effect on protein function are inconclusive. The overall evidence is insufficient to meet ACMG/AMP criteria for classifying it as benign or pathogenic. In summary, the clinical significance of this variant is currently uncertain.

Natera, Inc.
Classification: Uncertain significance for Ataxia-telangiectasia. Last evaluated: 2020-12-22. Review status: no assertion criteria provided. Collection method: clinical testing. Allele origin: germline. Not counted in ClinVar's aggregate classification.

Literature cited by the submitters: PubMed 36029002 (cited by Labcorp Genetics (formerly Invitae), Labcorp and Quest Diagnostics Nichols Institute San Juan Capistrano); PubMed 25085752 (cited by Myriad Genetics, Inc.); PubMed 33436325 (cited by Quest Diagnostics Nichols Institute San Juan Capistrano and Women's Health and Genetics/Laboratory Corporation of America, LabCorp); PubMed 28779002 (cited by 4 submitters); PubMed 27756406 (cited by Quest Diagnostics Nichols Institute San Juan Capistrano and Sema4).